The following is an entry in ClinVar:

NM_001148.6(ANK2):c.6228G>T (p.Lys2076Asn)

Genes: ANK2 (ankyrin 2; plus strand), LOC126807136 (MED14-independent group 3 enhancer GRCh37_chr4:114274931-114276130; plus strand). Cytogenetic location: 4q26.
Variant type: single nucleotide variant.
Coding change: c.6228G>T on transcript NM_001148.6 (MANE Select); coding-DNA position 6228, G replaced by T.
Protein change: p.Lys2076Asn; replaces lysine 2076 with asparagine.
Molecular consequence: missense variant. On other transcripts: intron variant (68).
Genome position (GRCh38, 1-based): chr4:113,354,846, G>T. VCF-style: chr4-113354846-G-T. GRCh37 (hg19) VCF-style: chr4-114276002-G-T.
Other names: c.5994G>T, p.Lys1998Asn (NM_001386142.1); c.2628G>T, p.Lys876Asn (NM_001386166.1); c.6369G>T, p.Lys2123Asn (NM_001386174.1); c.6345G>T, p.Lys2115Asn (NM_001386175.1); c.4411+4597G>T (NM_001386186.2, NM_001386148.2); c.4213+4597G>T (NM_001354269.3); c.4291+4597G>T (NM_001386187.2); c.4252+4597G>T (NM_001386147.1); and 35 more; short protein forms K2076N, K1998N, K2115N, K2123N, K876N.
Identifiers: ClinVar variation 191538 (VCV000191538.71), dbSNP rs144848998, ClinGen allele CA236938.

ClinVar aggregate classification (germline): Conflicting classifications of pathogenicity. Review status: criteria provided, conflicting classifications (1 of 4 stars). 12 submissions from 12 submitters: Uncertain significance (5); Likely benign (7). Last evaluated 2026-03-01.

Conditions:
ANK2-related disorder. Also called: ANK2-related condition.
Familial long QT syndrome (RWS). Also called: VENTRICULAR FIBRILLATION WITH PROLONGED QT INTERVAL; Romano-Ward syndrome; Congenital long QT syndrome. Identifiers: Orphanet 768, MedGen C1141890, MONDO:0019171.
Cardiac arrhythmia, ankyrin-B-related. Also called: ANKYRIN-B SYNDROME. Identifiers: Orphanet 101016, Orphanet 768, MedGen C1970119, MONDO:0010958, OMIM 600919.
Long QT syndrome (LQTS). Identifiers: MedGen C0023976, MeSH D008133, MONDO:0002442. Disease mechanism: loss of function. Inheritance: Various modes of inheritance.
Cardiovascular phenotype. Identifiers: MedGen CN230736.

Allele frequency attached by ClinVar (database versions not stated): gnomAD exomes 0.00040 and 0.00033; gnomAD 0.00046 and 0.00050; ESP Exome Variant Server 0.00023; TOPMed 0.00035; ExAC 0.00037.
gnomAD v4.1: 645 of 1,614,002 alleles (0.04%); highest among the groups gnomAD compares: Non-Finnish European, 0.05%; 1 homozygote.

Submissions (12):

CeGaT Center for Human Genetics Tuebingen
Classification: Likely benign. Last evaluated: 2026-03-01. Review status: criteria provided, single submitter. Criteria: CeGaT Center For Human Genetics Tuebingen Variant Classification Criteria Version 2. Collection method: clinical testing. Allele origin: germline. Affected: yes. Observed: 5 variant alleles.
Comment: ANK2: BP4

Labcorp Genetics (formerly Invitae), Labcorp
Classification: Likely benign for Long QT syndrome. Last evaluated: 2026-01-10. Review status: criteria provided, single submitter. Criteria: Invitae Variant Classification Sherloc (09022015). Collection method: clinical testing. Allele origin: germline.

GeneDx
Classification: Uncertain significance. Last evaluated: 2025-10-01. Review status: criteria provided, single submitter. Criteria: GeneDx Variant Classification Process June 2021. Collection method: clinical testing. Allele origin: germline. Affected: yes.
Comment: Reported in one family with primary electrical disease, in an infant deceased from SIDS, and in an individual with Emery-Dreifuss muscular dystrophy (PMID: 28341588, 28074886, 31862442); In silico analysis suggests that this missense variant does not alter protein structure/function; This variant is associated with the following publications: (PMID: 28074886, 31862442, 28341588, 18790697, 26109584, 1830053, 23861362)

Blueprint Genetics
Classification: Likely benign. Last evaluated: 2024-11-26. Review status: criteria provided, single submitter. Criteria: ACMG Guidelines, 2015. Collection method: clinical testing. Allele origin: germline.

PreventionGenetics, part of Exact Sciences
Classification: Likely benign for ANK2-related condition. Last evaluated: 2024-10-02. Review status: criteria provided, single submitter. Criteria: ACMG Guidelines, 2015. Collection method: clinical testing. Allele origin: germline.
Comment: This variant is classified as likely benign based on ACMG/AMP sequence variant interpretation guidelines (Richards et al. 2015 PMID: 25741868, with internal and published modifications).

Dept of Medical Biology, Uskudar University
Classification: Uncertain significance for Long QT syndrome. Last evaluated: 2024-01-08. Review status: criteria provided, single submitter. Criteria: Dept of Medical Biology Variant Classification. Collection method: research. Allele origin: maternal. Affected: yes. Observed: 1 variant allele.
Comment: Criteria: BS1

Petrovsky National Research Centre of Surgery, The Federal Agency for Scientific Organizations
Classification: Uncertain significance for Familial long QT syndrome. Last evaluated: 2023-12-01. Review status: criteria provided, single submitter. Criteria: ACMG Guidelines, 2015. Collection method: clinical testing. Allele origin: germline. Affected: yes.
Comment: The NM_001148:c.6228G>T variant is in The Genome Aggregation Database (gnomAD) v2.1.1 and v4.0.0 with total MAF 0.0004108 and 0.0003996 respectively (Date of access 01-12-2023). Clinvar contains an entry for this variant (Variation ID: 191538). This variant has been reported in 3 studies in patients with variable phenotypes (PMID: 28074886, 28341588, 31862442). Most in silico predictors show benign result of the protein change. In accordance with ACMG(2015) criteria this variant is classified as Variant of Uncertain Significance (VUS) with following criteria selected: BP4.

Women's Health and Genetics/Laboratory Corporation of America, LabCorp
Classification: Likely benign. Last evaluated: 2022-10-17. Review status: criteria provided, single submitter. Criteria: LabCorp Variant Classification Summary - May 2015. Collection method: clinical testing. Allele origin: germline.
Comment: Variant summary: ANK2 c.6228G>T (p.Lys2076Asn) results in a non-conservative amino acid change in the encoded protein sequence. Four of five in-silico tools predict a benign effect of the variant on protein function. The variant allele was found at a frequency of 0.00033 in 250964 control chromosomes, predominantly at a frequency of 0.00064 within the Non-Finnish European subpopulation in the gnomAD database. The observed variant frequency within Non-Finnish European control individuals in the gnomAD database is approximately 64-fold of the estimated maximal expected allele frequency for a pathogenic variant in ANK2 causing Arrhythmia phenotype (1e-05), strongly suggesting that the variant is a benign polymorphism found primarily in populations of Non-Finnish European origin. c.6228G>T has been reported in the literature in individuals affected with Primary electrical disease, Sudden infant death syndrome and Emery-Dreifuss muscular dystrophy (Neubauer_2017, Proost_2017, Meinke_2020). These report(s) do not provide unequivocal conclusions about association of the variant with Arrhythmia. To our knowledge, no experimental evidence demonstrating an impact on protein function has been reported. One ClinVar submitter (evaluation after 2014) cites the variant as likely benign and three ClinVar submitters (evaluation after 2014) cite it as uncertain significance. Based on the evidence outlined above, the variant was classified as likely benign.

Mayo Clinic Laboratories, Mayo Clinic
Classification: Uncertain significance. Last evaluated: 2019-09-02. Review status: criteria provided, single submitter. Criteria: ACMG Guidelines, 2015. Collection method: clinical testing. Allele origin: germline. Observed: 1 variant allele.

Ambry Genetics
Classification: Likely benign for Cardiovascular phenotype. Last evaluated: 2018-04-18. Review status: criteria provided, single submitter. Criteria: Ambry Variant Classification Scheme 2023. Collection method: clinical testing. Allele origin: germline.

Illumina Laboratory Services, Illumina
Classification: Uncertain significance for Cardiac arrhythmia, ankyrin-B-related. Last evaluated: 2018-01-13. Review status: criteria provided, single submitter. Criteria: ICSL Variant Classification Criteria 13 December 2019. Collection method: clinical testing. Allele origin: germline.

Biesecker Lab/Clinical Genomics Section, National Institutes of Health
Classification: Likely benign. Last evaluated: 2013-06-24. Review status: criteria provided, single submitter. Criteria: Ng et al. (Circ Cardiovasc Genet. 2013). Collection method: research. Allele origin: unknown. Observed: 2 variant alleles. Study: ClinSeq.
Comment: The study set was not selected for affection status in relation to any cancer. Pathogenicity categories were based on literature curation. See Pubmed ID:23861362 for details.

Medical sequencing

Literature cited by the submitters: PubMed 28074886 (cited by Petrovsky National Research Centre of Surgery, The Federal Agency for Scientific Organizations and Women's Health and Genetics/Laboratory Corporation of America, LabCorp); PubMed 28341588 (cited by 3 submitters); PubMed 31862442 (cited by Petrovsky National Research Centre of Surgery, The Federal Agency for Scientific Organizations and Women's Health and Genetics/Laboratory Corporation of America, LabCorp); PubMed 23861362 (cited by Ambry Genetics).